The following is an entry in ClinVar:

ClinVar aggregate classification (germline): Uncertain significance. Review status: criteria provided, multiple submitters, no conflicts (2 of 4 stars). 2 submissions from 2 submitters: Uncertain significance (2). Last evaluated 2025-08-24.

Allele frequency attached by ClinVar (database versions not stated): gnomAD 0.00001; gnomAD exomes 0.00002; ExAC 0.00003; TOPMed 0.00003; ESP Exome Variant Server 0.00008.

Submissions (2):

Ambry Genetics
Classification: Uncertain significance. Last evaluated: 2025-08-24. Review status: criteria provided, single submitter. Criteria: Ambry Variant Classification Scheme 2023. Collection method: clinical testing. Allele origin: germline.

Labcorp Genetics (formerly Invitae), Labcorp
Classification: Uncertain significance. Last evaluated: 2025-08-01. Review status: criteria provided, single submitter. Criteria: Invitae Variant Classification Sherloc (09022015). Collection method: clinical testing. Allele origin: germline.
Comment: This sequence change replaces lysine, which is basic and polar, with glutamine, which is neutral and polar, at codon 304 of the ZCCHC8 protein (p.Lys304Gln). This variant is present in population databases (rs373244714, gnomAD 0.004%). This variant has not been reported in the literature in individuals affected with ZCCHC8-related conditions. ClinVar contains an entry for this variant (Variation ID: 2186129). Invitae Evidence Modeling of protein sequence and biophysical properties (such as structural, functional, and spatial information, amino acid conservation, physicochemical variation, residue mobility, and thermodynamic stability) indicates that this missense variant is not expected to disrupt ZCCHC8 protein function with a negative predictive value of 80%. In summary, the available evidence is currently insufficient to determine the role of this variant in disease. Therefore, it has been classified as a Variant of Uncertain Significance.

NM_017612.5(ZCCHC8):c.910A>C (p.Lys304Gln)

Gene: ZCCHC8 (zinc finger CCHC-type containing 8; minus strand). Cytogenetic location: 12q24.31.
Variant type: single nucleotide variant.
Coding change: c.910A>C on transcript NM_017612.5 (MANE Select); coding-DNA position 910, A replaced by C.
Protein change: p.Lys304Gln; replaces lysine 304 with glutamine.
Molecular consequence: missense variant.
Genome position (GRCh38, 1-based): chr12:122,481,630, T>G on the plus strand (A>C on the coding strand, the complement: ZCCHC8 is on the minus strand). VCF-style: chr12-122481630-T-G. GRCh37 (hg19) VCF-style: chr12-122966177-T-G.
Other names: c.679A>C, p.Lys227Gln (NM_001350935.2); c.613A>C, p.Lys205Gln (NM_001350936.2); c.196A>C, p.Lys66Gln (NM_001350937.2, NM_001350938.2); c.910A>C (NM_017612.3); short protein forms K205Q, K66Q, K227Q, K304Q.
Identifiers: ClinVar variation 2186129 (VCV002186129.5), dbSNP rs373244714, ClinGen allele CA6846330.